The following is an entry in ClinVar:

ClinVar aggregate classification (germline): Pathogenic/Likely pathogenic. Review status: criteria provided, multiple submitters, no conflicts (2 of 4 stars). 3 submissions from 3 submitters: Pathogenic (1); Likely pathogenic (2). Last evaluated 2023-06-23.

Conditions:
Autosomal recessive osteopetrosis 1. Also called: ALBERS-SCHONBERG DISEASE, AUTOSOMAL RECESSIVE; TCIRG1-Related Autosomal Recessive Osteopetrosis; TCIRG1-Related Osteopetrosis. Identifiers: Orphanet 667, MedGen C1850127, MONDO:0009815, OMIM 259700.

Submissions (3):

Baylor Genetics
Classification: Likely pathogenic for Autosomal recessive osteopetrosis 1. Last evaluated: 2023-06-23. Review status: criteria provided, single submitter. Criteria: ACMG Guidelines, 2015. Collection method: clinical testing. Allele origin: unknown.

Revvity Omics, Revvity
Classification: Likely pathogenic for Autosomal recessive osteopetrosis 1. Last evaluated: 2022-05-10. Review status: criteria provided, single submitter. Criteria: ACMG Guidelines, 2015. Collection method: clinical testing. Allele origin: germline.

Labcorp Genetics (formerly Invitae), Labcorp
Classification: Pathogenic. Last evaluated: 2021-06-13. Review status: criteria provided, single submitter. Criteria: Invitae Variant Classification Sherloc (09022015). Collection method: clinical testing. Allele origin: germline.
Comment: Loss-of-function variants in TCIRG1 are known to be pathogenic (PMID: 10888887, 10942435, 11532986, 19448635). This variant has not been reported in the literature in individuals with TCIRG1-related conditions. The frequency data for this variant in the population databases is considered unreliable, as metrics indicate insufficient coverage at this position in the ExAC database. This sequence change creates a premature translational stop signal (p.Gln126*) in the TCIRG1 gene. It is expected to result in an absent or disrupted protein product. For these reasons, this variant has been classified as Pathogenic.

Literature cited by the submitters: PubMed 10888887 (cited by Labcorp Genetics (formerly Invitae), Labcorp); PubMed 10942435 (cited by Labcorp Genetics (formerly Invitae), Labcorp); PubMed 11532986 (cited by Labcorp Genetics (formerly Invitae), Labcorp); PubMed 19448635 (cited by Labcorp Genetics (formerly Invitae), Labcorp).

NM_006019.4(TCIRG1):c.376C>T (p.Gln126Ter)

Gene: TCIRG1 (T cell immune regulator 1, ATPase H+ transporting V0 subunit a3; plus strand). Cytogenetic location: 11q13.2.
Variant type: single nucleotide variant.
Coding change: c.376C>T on transcript NM_006019.4 (MANE Select); coding-DNA position 376, C replaced by T.
Protein change: p.Gln126Ter; replaces glutamine 126 with a stop codon.
Molecular consequence: nonsense. On other transcripts: 5 prime UTR variant (1).
Genome position (GRCh38, 1-based): chr11:68,042,822, C>T. VCF-style: chr11-68042822-C-T. GRCh37 (hg19) VCF-style: chr11-67810289-C-T.
Other names: c.-874C>T (NM_001351059.2); short protein forms Q126*.
Identifiers: ClinVar variation 1070809 (VCV001070809.10), dbSNP rs903939170, ClinGen allele CA224203027.